The following is an entry in ClinVar:

NM_001009944.3(PKD1):c.9377C>T (p.Thr3126Ile)

Gene: PKD1 (polycystin 1, transient receptor potential channel interacting; minus strand). Cytogenetic location: 16p13.3.
Variant type: single nucleotide variant.
Coding change: c.9377C>T on transcript NM_001009944.3 (MANE Select); coding-DNA position 9377, C replaced by T.
Protein change: p.Thr3126Ile; replaces threonine 3126 with isoleucine.
Molecular consequence: missense variant.
Genome position (GRCh38, 1-based): chr16:2,102,081, G>A on the plus strand (C>T on the coding strand, the complement: PKD1 is on the minus strand). VCF-style: chr16-2102081-G-A. GRCh37 (hg19) VCF-style: chr16-2152082-G-A.
Other names: c.9377C>T, p.Thr3126Ile (NM_000296.4); c.9377C>T (NM_001009944.2); short protein forms T3126I.
Identifiers: ClinVar variation 618295 (VCV000618295.14), dbSNP rs1567173560, ClinGen allele CA394357674.

ClinVar aggregate classification (germline): Conflicting classifications of pathogenicity. Review status: criteria provided, conflicting classifications (1 of 4 stars). 4 submissions from 4 submitters: Likely pathogenic (2); Uncertain significance (2). Last evaluated 2024-09-22.

Conditions:
Inborn genetic diseases. Identifiers: MedGen C0950123, MeSH D030342.
Polycystic kidney disease, adult type (PKD1). Also called: Polycystic Kidney Disease 1, Autosomal Dominant; Polycystic kidney disease 1; Polycystic kidney disease 1, severe; POLYCYSTIC KIDNEY DISEASE 1 WITH OR WITHOUT POLYCYSTIC LIVER DISEASE; Polycystic Kidney, Autosomal Dominant; POLYCYSTIC KIDNEY DISEASE, ADULT, TYPE I. Identifiers: MedGen C3149841, MONDO:0008263, OMIM 173900.

Submissions (4):

Genomic Medicine Center of Excellence, King Faisal Specialist Hospital and Research Centre
Classification: Likely pathogenic for Polycystic kidney disease, adult type. Last evaluated: 2024-09-22. Review status: criteria provided, single submitter. Criteria: ACMG Guidelines, 2015. Collection method: clinical testing. Allele origin: germline.

Department of Pathology and Laboratory Medicine, Sinai Health System
Classification: Uncertain significance for Polycystic kidney disease, adult type. Last evaluated: 2024-08-06. Review status: criteria provided, single submitter. Criteria: ACMG Guidelines, 2015. Collection method: clinical testing. Allele origin: germline.

Ambry Genetics
Classification: Likely pathogenic for Inborn genetic diseases. Last evaluated: 2024-07-10. Review status: criteria provided, single submitter. Criteria: Ambry Variant Classification Scheme 2023. Collection method: clinical testing. Allele origin: germline.
Comment: The c.9377C>T (p.T3126I) alteration is located in exon 26 (coding exon 26) of the PKD1 gene. This alteration results from a C to T substitution at nucleotide position 9377, causing the threonine (T) at amino acid position 3126 to be replaced by an isoleucine (I). This variant was not reported in population-based cohorts in the Genome Aggregation Database (gnomAD). This variant was identified in several individuals with autosomal dominant polycystic kidney disease and was reported to segregate with disease in one family (Audr&eacute;zet, 2012; Liu, 2015, Mochizuki, 2019). This alteration is predicted to be deleterious by in silico analysis. Based on the available evidence, this alteration is classified as likely pathogenic.

ARUP Laboratories, Molecular Genetics and Genomics, ARUP Laboratories
Classification: Uncertain significance for Polycystic kidney disease, adult type. Last evaluated: 2020-02-03. Review status: criteria provided, single submitter. Criteria: ARUP Molecular Germline Variant Investigation Process. Collection method: clinical testing. Allele origin: germline.
Comment: The PKD1 c.9377C>T; p.Thr3126Ile variant is reported in the literature in multiple individuals affected with autosomal dominant polycystic kidney disease, and segregates with the disorder in at least one family (Audrezet 2011, Liu 2015). This variant is reported in ClinVar (Variation ID: 618295), and is absent from general population databases (Exome Variant Server, Genome Aggregation Database), indicating it is not a common polymorphism. The threonine at codon 3126 is highly conserved, and computational analyses (SIFT, PolyPhen-2) predict that this variant is deleterious. However, given the lack of functional data and limited clinical data, the significance of the p.Thr3126Ile variant is uncertain at this time. References: Audrezet M et al. Autosomal dominant polycystic kidney disease: comprehensive mutation analysis of PKD1 and PKD2 in 700 unrelated patients. Hum Mutat. 2012; 33(8):1239-50. Liu Y et al. Targeted Next-Generation Sequencing for Clinical Diagnosis of 561 Mendelian Diseases. PLoS One. 2015 Aug 14;10(8):e0133636.

Literature cited by the submitters: PubMed 22508176 (cited by Department of Pathology and Laboratory Medicine, Sinai Health System and Ambry Genetics); PubMed 26274329 (cited by Department of Pathology and Laboratory Medicine, Sinai Health System and Ambry Genetics); PubMed 30989420 (cited by Department of Pathology and Laboratory Medicine, Sinai Health System and Ambry Genetics).